The following is an entry in ClinVar:

NM_006767.4(LZTR1):c.2317G>T (p.Val773Leu)

Gene: LZTR1 (leucine zipper like post translational regulator 1; plus strand). Cytogenetic location: 22q11.21.
Variant type: single nucleotide variant.
Coding change: c.2317G>T on transcript NM_006767.4 (MANE Select); coding-DNA position 2317, G replaced by T.
Protein change: p.Val773Leu; replaces valine 773 with leucine.
Molecular consequence: missense variant.
Genome position (GRCh38, 1-based): chr22:20,996,793, G>T. VCF-style: chr22-20996793-G-T. GRCh37 (hg19) VCF-style: chr22-21351082-G-T.
Other names: short protein forms V773L.
Identifiers: ClinVar variation 3026394 (VCV003026394.24), dbSNP rs199586863, ClinGen allele CA410780933.

ClinVar aggregate classification (germline): Uncertain significance. Review status: criteria provided, multiple submitters, no conflicts (2 of 4 stars). 2 submissions from 2 submitters: Uncertain significance (2). Last evaluated 2025-06-12.

Conditions:
Noonan syndrome 2 (NS2). Identifiers: Orphanet 648, MedGen C1854469, MONDO:0011531, OMIM 605275.

gnomAD v4.1: 1 of 1,613,634 alleles (0.000062%); highest among the groups gnomAD compares: East Asian, 0.0022%; no homozygotes.

Submissions (2):

Victorian Clinical Genetics Services, Murdoch Childrens Research Institute
Classification: Uncertain significance for Noonan syndrome 2. Last evaluated: 2025-06-12. Review status: criteria provided, single submitter. Criteria: ACMG Guidelines, 2015. Collection method: clinical testing. Allele origin: germline. Affected: no.
Comment: This variant is classified as VUS-3A. Evidence in support of pathogenic classification: Variant is present in gnomAD <0.01 (v4: 1 heterozygote(s), 0 homozygote(s)) . Additional information: Variant is predicted to result in a missense amino acid change from valine to leucine; This variant is heterozygous; This gene is associated with both recessive and dominant disease (OMIM); Alternative amino acid change(s) at the same position are present in gnomAD (Highest allele count: v4: 52 heterozygotes, 0 homozygote(s)); Previous evidence of pathogenicity for this variant is inconclusive. This variant has been classified as a VUS by a clinical laboratory in ClinVar, a different nucleotide change c.2317G>C resulting in the same amino acid change has been reported as a VUS by two clinical laboratories in Clinvar; No published segregation evidence has been identified for this variant; No published functional evidence has been identified for this variant; Other missense variants comparable to the one identified in this case have inconclusive previous evidence for pathogenicity. p.(Val773Met) has been classified as a variant of uncertain significance by multiple clinical laboratories in ClinVar and likely pathogenic by a single laboratory, and has been observed in the homozygous state in a fetus with hydrops fetalis (PMID: 28749478). p.Val773Gly and p.Val773Ala have also been classified as variants of uncertain significance by clinical laboratories in Clinvar; Variant is not located in an established domain, motif, hotspot or informative constraint region; Missense variant with inconclusive in silico prediction and uninformative conservation; Loss of function is a known mechanism of disease in this gene and is associated with autosomal recessive Noonan syndrome 2 (MIM#605275). Dominant negative is the proposed mechanism for autosomal dominant Noonan syndrome 10 (MIM#616564); The proband's mother was not tested as part of this analysis.

CeGaT Center for Human Genetics Tuebingen
Classification: Uncertain significance. Last evaluated: 2023-12-01. Review status: criteria provided, single submitter. Criteria: CeGaT Center For Human Genetics Tuebingen Variant Classification Criteria Version 2. Collection method: clinical testing. Allele origin: germline. Affected: yes. Observed: 1 variant allele.
Comment: LZTR1: PM2, PP3

Literature cited by the submitters: PubMed 28749478 (cited by Victorian Clinical Genetics Services, Murdoch Childrens Research Institute).